The following is an entry in ClinVar:

NM_000059.4(BRCA2):c.6495G>C (p.Leu2165Phe)

Gene: BRCA2 (BRCA2 DNA repair associated; plus strand). Cytogenetic location: 13q13.1.
Variant type: single nucleotide variant.
Coding change: c.6495G>C on transcript NM_000059.4 (MANE Select); coding-DNA position 6495, G replaced by C.
Protein change: p.Leu2165Phe; replaces leucine 2165 with phenylalanine.
Molecular consequence: missense variant.
Genome position (GRCh38, 1-based): chr13:32,340,850, G>C. VCF-style: chr13-32340850-G-C. GRCh37 (hg19) VCF-style: chr13-32914987-G-C.
Other names: short protein forms L2165F.
Identifiers: ClinVar variation 1332400 (VCV001332400.5), dbSNP rs1555284722, ClinGen allele CA387789520.

ClinVar aggregate classification (germline): Conflicting classifications of pathogenicity. Review status: criteria provided, conflicting classifications (1 of 4 stars). 3 submissions from 3 submitters: Uncertain significance (2); Likely benign (1). Last evaluated 2025-08-05.

Conditions:
Hereditary cancer-predisposing syndrome. Also called: Tumor predisposition; Hereditary Cancer Syndrome; Neoplastic Syndromes, Hereditary; Hereditary neoplastic syndrome. Identifiers: Orphanet 140162, MedGen C0027672, MeSH D009386, MONDO:0015356.

Submissions (3):

Ambry Genetics
Classification: Uncertain significance for Hereditary cancer-predisposing syndrome. Last evaluated: 2025-08-05. Review status: criteria provided, single submitter. Criteria: Ambry Variant Classification Scheme 2023. Collection method: clinical testing. Allele origin: germline.
Comment: The p.L2165F variant (also known as c.6495G>C), located in coding exon 10 of the BRCA2 gene, results from a G to C substitution at nucleotide position 6495. The leucine at codon 2165 is replaced by phenylalanine, an amino acid with highly similar properties. This amino acid position is not well conserved in available vertebrate species. In addition, the in silico prediction for this alteration is inconclusive. Based on the available evidence, the clinical significance of this variant remains unclear.

University of Washington Department of Laboratory Medicine, University of Washington
Classification: Likely benign for Hereditary cancer-predisposing syndrome. Last evaluated: 2023-03-23. Review status: criteria provided, single submitter. Criteria: Dines et al. (Genet Med. 2020). Collection method: curation. Allele origin: germline.
Comment: Missense variant in a coldspot region where missense variants are very unlikely to be pathogenic (PMID:31911673).

BRCA2 exon 11 coldspot. Reclassification based on statistical prior probability.

Color Diagnostics, LLC DBA Color Health
Classification: Uncertain significance for Hereditary cancer-predisposing syndrome. Last evaluated: 2021-04-21. Review status: criteria provided, single submitter. Criteria: ACMG Guidelines, 2015. Collection method: clinical testing. Allele origin: germline.
Comment: This missense variant replaces leucine with phenylalanine at codon 2165 of the BRCA2 protein. Computational prediction is inconclusive regarding the impact of this variant on protein structure and function (internally defined REVEL score threshold 0.5 < inconclusive < 0.7, PMID: 27666373). To our knowledge, functional studies have not been reported for this variant. This variant has not been reported in individuals affected with hereditary cancer in the literature. This variant has not been identified in the general population by the Genome Aggregation Database (gnomAD). The available evidence is insufficient to determine the role of this variant in disease conclusively. Therefore, this variant is classified as a Variant of Uncertain Significance.